The following is an entry in ClinVar:

NM_000368.5(TSC1):c.2712del (p.Ser905fs)

Gene: TSC1 (TSC complex subunit 1; minus strand). Cytogenetic location: 9q34.13.
Variant type: Deletion.
Coding change: c.2712del on transcript NM_000368.5 (MANE Select); coding-DNA position 2712, one base deleted (C; older notation c.2712delC).
Protein change: p.Ser905fs; shifts the reading frame from serine 905.
Molecular consequence: frameshift variant. On other transcripts: non-coding transcript variant (5).
Genome position (GRCh38, 1-based): chr9:132,897,524, G deleted on the plus strand (C on the coding strand, the reverse complement: TSC1 is on the minus strand); the first of 2 consecutive G bases (chr9:132,897,524-132,897,525); deleting either gives the same sequence. VCF-style (leftmost placement, unchanged base first): chr9-132897523-AG-A. GRCh37 (hg19) VCF-style: chr9-135772910-AG-A.
Other names: c.2712delC (NM_000368.4); c.2709del, p.Ser904fs (NM_001162426.2, NM_001406597.1, NM_001406598.1 and 2 more transcripts); c.2559del, p.Ser854fs (NM_001162427.2, NM_001406610.1); c.2349del, p.Ser784fs (NM_001362177.2, NM_001406614.1, NM_001406615.1 and 4 more transcripts); c.2712del, p.Ser905fs (NM_001406592.1, NM_001406593.1, NM_001406594.1 and 2 more transcripts); c.2697del, p.Ser900fs (NM_001406601.1, NM_001406602.1); c.2694del, p.Ser899fs (NM_001406603.1, NM_001406604.1); c.2670del, p.Ser891fs (NM_001406605.1, NM_001406606.1, NM_001406607.1); and 9 more; short protein forms S588fs, S890fs, S769fs, S783fs, S839fs, S900fs, S904fs, S587fs.
Identifiers: ClinVar variation 5000481 (VCV005000481.2).

ClinVar aggregate classification (germline): Pathogenic/Likely pathogenic. Review status: criteria provided, multiple submitters, no conflicts (2 of 4 stars). 2 submissions from 2 submitters: Pathogenic (1); Likely pathogenic (1). Last evaluated 2026-06-29.

Conditions:
TSC1-related disorder. Also called: TSC1-related condition.
Hereditary cancer-predisposing syndrome. Also called: Neoplastic Syndromes, Hereditary; Tumor predisposition; Hereditary Cancer Syndrome; Hereditary neoplastic syndrome. Identifiers: Orphanet 140162, MedGen C0027672, MeSH D009386, MONDO:0015356.

Submissions (2):

Ambry Genetics
Classification: Pathogenic for Hereditary cancer-predisposing syndrome. Last evaluated: 2026-06-29. Review status: criteria provided, single submitter. Criteria: Ambry Variant Classification Scheme 2023. Collection method: clinical testing. Allele origin: germline.
Comment: The c.2712delC pathogenic mutation, located in coding exon 19 of the TSC1 gene, results from a deletion of one nucleotide at nucleotide position 2712, causing a translational frameshift with a predicted alternate stop codon (p.S905Pfs*26). This variant is considered to be rare based on population cohorts in the Genome Aggregation Database (gnomAD). This alteration is expected to result in loss of function by premature protein truncation or nonsense-mediated mRNA decay. As such, this alteration is interpreted as a disease-causing mutation.

PreventionGenetics, part of Exact Sciences
Classification: Likely pathogenic for TSC1-related condition. Last evaluated: 2025-07-07. Review status: criteria provided, single submitter. Criteria: ACMG Guidelines, 2015. Collection method: clinical testing. Allele origin: germline.
Comment: The TSC1 c.2712delC variant is predicted to result in a frameshift and premature protein termination (p.Ser905Profs*26). To our knowledge, this variant has not been reported in the literature or in a large population database (gnomAD), indicating this variant is rare. Frameshift variants in TSC1 are expected to be pathogenic. This variant is interpreted as likely pathogenic.